The following is an entry in ClinVar:

ClinVar aggregate classification (germline): Uncertain significance. Review status: criteria provided, multiple submitters, no conflicts (2 of 4 stars). 3 submissions from 3 submitters: Uncertain significance (3). Last evaluated 2025-11-10.

Conditions:
Hereditary nonpolyposis colorectal neoplasms. Identifiers: MedGen C0009405, MeSH D003123.
Hereditary cancer-predisposing syndrome. Also called: Tumor predisposition; Hereditary Cancer Syndrome; Hereditary neoplastic syndrome; Neoplastic Syndromes, Hereditary. Identifiers: Orphanet 140162, MedGen C0027672, MeSH D009386, MONDO:0015356.

Allele frequency attached by ClinVar (database versions not stated): gnomAD exomes below 0.00001; TOPMed below 0.00001; gnomAD 0.00001.
gnomAD v4.1: 2 of 1,614,022 alleles (0.00012%); highest among the groups gnomAD compares: Non-Finnish European, 0.00017%; no homozygotes.

Submissions (3):

Labcorp Genetics (formerly Invitae), Labcorp
Classification: Uncertain significance for Hereditary nonpolyposis colorectal neoplasms. Last evaluated: 2025-11-10. Review status: criteria provided, single submitter. Criteria: Invitae Variant Classification Sherloc (09022015). Collection method: clinical testing. Allele origin: germline.
Comment: This sequence change replaces alanine, which is neutral and non-polar, with threonine, which is neutral and polar, at codon 1127 of the MSH6 protein (p.Ala1127Thr). This variant is not present in population databases (gnomAD no frequency). This missense change has been observed in individual(s) with pancreatic cancer (PMID: 35171259). ClinVar contains an entry for this variant (Variation ID: 410403). Invitae Evidence Modeling of protein sequence and biophysical properties (such as structural, functional, and spatial information, amino acid conservation, physicochemical variation, residue mobility, and thermodynamic stability) indicates that this missense variant is not expected to disrupt MSH6 protein function with a negative predictive value of 95%. In summary, the available evidence is currently insufficient to determine the role of this variant in disease. Therefore, it has been classified as a Variant of Uncertain Significance.

Ambry Genetics
Classification: Uncertain significance for Hereditary cancer-predisposing syndrome. Last evaluated: 2024-11-13. Review status: criteria provided, single submitter. Criteria: Ambry Variant Classification Scheme 2023. Collection method: clinical testing. Allele origin: germline.
Comment: The p.A1127T variant (also known as c.3379G>A), located in coding exon 5 of the MSH6 gene, results from a G to A substitution at nucleotide position 3379. The alanine at codon 1127 is replaced by threonine, an amino acid with similar properties. This variant was identified in 1 of 1009 patients amongst a cohort of Chinese patients with a personal history of pancreatic ductal adenocarcinoma (Yin L et al. JAMA Netw Open, 2022 Feb;5:e2148721). This amino acid position is highly conserved in available vertebrate species. In addition, the in silico prediction for this alteration is inconclusive. Based on the available evidence, the clinical significance of this variant remains unclear.

Color Diagnostics, LLC DBA Color Health
Classification: Uncertain significance for Hereditary cancer-predisposing syndrome. Last evaluated: 2024-03-06. Review status: criteria provided, single submitter. Criteria: ACMG Guidelines, 2015. Collection method: clinical testing. Allele origin: germline.
Comment: This missense variant replaces alanine with threonine at codon 1127 of the MSH6 protein. Computational prediction is inconclusive regarding the impact of this variant on protein structure and function (internally defined REVEL score threshold 0.5 < inconclusive < 0.7, PMID: 27666373). Splice site prediction tools suggest that this variant may not impact RNA splicing. To our knowledge, functional studies have not been reported for this variant. This variant has not been reported in individuals affected with hereditary cancer in the literature. This variant has not been identified in the general population by the Genome Aggregation Database (gnomAD). The available evidence is insufficient to determine the role of this variant in disease conclusively. Therefore, this variant is classified as a Variant of Uncertain Significance.

Literature cited by the submitters: PubMed 35171259 (cited by Labcorp Genetics (formerly Invitae), Labcorp and Ambry Genetics).

NM_000179.3(MSH6):c.3379G>A (p.Ala1127Thr)

Gene: MSH6 (mutS homolog 6; plus strand). Cytogenetic location: 2p16.3.
Variant type: single nucleotide variant.
Coding change: c.3379G>A on transcript NM_000179.3 (MANE Select); coding-DNA position 3379, G replaced by A.
Protein change: p.Ala1127Thr; replaces alanine 1127 with threonine.
Molecular consequence: missense variant.
Genome position (GRCh38, 1-based): chr2:47,803,626, G>A. VCF-style: chr2-47803626-G-A. GRCh37 (hg19) VCF-style: chr2-48030765-G-A.
Other names: c.2989G>A, p.Ala997Thr (NM_001281492.2); c.2473G>A, p.Ala825Thr (NM_001281493.2, NM_001281494.2); short protein forms A1127T, A997T, A825T.
Identifiers: ClinVar variation 410403 (VCV000410403.16), dbSNP rs1060502880, ClinGen allele CA16610957.